The following is an entry in ClinVar:

NM_025087.3(CWH43):c.2088del (p.Lys696fs)

Gene: CWH43 (cell wall biogenesis 43 C-terminal homolog; plus strand). Cytogenetic location: 4p11.
Variant type: Deletion.
Coding change: c.2088del on transcript NM_025087.3 (MANE Select); coding-DNA position 2088, one base deleted (A; older notation c.2088delA).
Protein change: p.Lys696fs; shifts the reading frame from lysine 696.
Molecular consequence: frameshift variant.
Genome position (GRCh38, 1-based): chr4:49,061,878, A deleted; the last of 3 consecutive A bases (chr4:49,061,876-49,061,878); deleting any one gives the same sequence. VCF-style (leftmost placement, unchanged base first): chr4-49061875-CA-C. GRCh37 (hg19) VCF-style: chr4-49063892-CA-C.
Other names: c.2007del, p.Lys669fs (NM_001286791.2); short protein forms K669fs, K696fs.
Identifiers: ClinVar variation 775068 (VCV000775068.27), dbSNP rs538616012, ClinGen allele CA2917167.

ClinVar aggregate classification (germline): Likely benign. Review status: criteria provided, multiple submitters, no conflicts (2 of 4 stars). 2 submissions from 2 submitters: Likely benign (2). Last evaluated 2025-03-01.

Submissions (2):

CeGaT Center for Human Genetics Tuebingen
Classification: Likely benign. Last evaluated: 2025-03-01. Review status: criteria provided, single submitter. Criteria: CeGaT Center For Human Genetics Tuebingen Variant Classification Criteria Version 2. Collection method: clinical testing. Allele origin: germline. Affected: yes. Observed: 4 variant alleles.
Comment: CWH43: BS2

Labcorp Genetics (formerly Invitae), Labcorp
Classification: Likely benign. Last evaluated: 2018-08-24. Review status: criteria provided, single submitter. Criteria: Invitae Variant Classification Sherloc (09022015). Collection method: clinical testing. Allele origin: germline.